The following is an entry in ClinVar:

ClinVar aggregate classification (germline): Uncertain significance. Review status: criteria provided, multiple submitters, no conflicts (2 of 4 stars). 2 submissions from 2 submitters: Uncertain significance (2). Last evaluated 2025-07-31.

Conditions:
Primary ciliary dyskinesia. Also called: Ciliary dyskinesia. Identifiers: Orphanet 244, MedGen C0008780, MONDO:0016575, HP:0012265.
Primary ciliary dyskinesia 11. Also called: CILIARY DYSKINESIA, PRIMARY, 11, WITHOUT SITUS INVERSUS. Identifiers: Orphanet 244, MedGen C2675229, MONDO:0012978, OMIM 612649.

Allele frequency attached by ClinVar (database versions not stated): gnomAD exomes 0.00001 and 0.00002; ExAC 0.00002; gnomAD 0.00005; TOPMed 0.00017.
gnomAD v4.1: 22 of 1,605,858 alleles (0.0014%); highest among the groups gnomAD compares: Admixed American, 0.022%; no homozygotes.

Submissions (2):

Labcorp Genetics (formerly Invitae), Labcorp
Classification: Uncertain significance for Primary ciliary dyskinesia. Last evaluated: 2025-07-31. Review status: criteria provided, single submitter. Criteria: Invitae Variant Classification Sherloc (09022015). Collection method: clinical testing. Allele origin: germline.
Comment: This sequence change replaces glutamine, which is neutral and polar, with proline, which is neutral and non-polar, at codon 301 of the RSPH4A protein (p.Gln301Pro). This variant is present in population databases (rs755128358, gnomAD 0.006%). This missense change has been observed in individual(s) with clinical features of primary ciliary dyskinesia (PMID: 33670432). ClinVar contains an entry for this variant (Variation ID: 949766). Invitae Evidence Modeling of protein sequence and biophysical properties (such as structural, functional, and spatial information, amino acid conservation, physicochemical variation, residue mobility, and thermodynamic stability) indicates that this missense variant is not expected to disrupt RSPH4A protein function with a negative predictive value of 80%. In summary, the available evidence is currently insufficient to determine the role of this variant in disease. Therefore, it has been classified as a Variant of Uncertain Significance.

Fulgent Genetics
Classification: Uncertain significance for Primary ciliary dyskinesia 11. Last evaluated: 2021-08-02. Review status: criteria provided, single submitter. Criteria: ACMG Guidelines, 2015. Collection method: clinical testing. Allele origin: unknown.

Literature cited by the submitters: PubMed 33670432 (cited by Labcorp Genetics (formerly Invitae), Labcorp).

NM_001010892.3(RSPH4A):c.902A>C (p.Gln301Pro)

Gene: RSPH4A (radial spoke head component 4A; plus strand). Cytogenetic location: 6q22.1.
Variant type: single nucleotide variant.
Coding change: c.902A>C on transcript NM_001010892.3 (MANE Select); coding-DNA position 902, A replaced by C.
Protein change: p.Gln301Pro; replaces glutamine 301 with proline.
Molecular consequence: missense variant.
Genome position (GRCh38, 1-based): chr6:116,622,983, A>C. VCF-style: chr6-116622983-A-C. GRCh37 (hg19) VCF-style: chr6-116944146-A-C.
Other names: c.902A>C, p.Gln301Pro (NM_001161664.2); short protein forms Q301P.
Identifiers: ClinVar variation 949766 (VCV000949766.9), dbSNP rs755128358, ClinGen allele CA3970849.